The following is an entry in ClinVar:

NM_145199.3(LIPT1):c.752_801del (p.Thr251fs)

Genes: LIPT1 (lipoyltransferase 1; plus strand), MITD1 (microtubule interacting and trafficking domain containing 1; minus strand). Cytogenetic location: 2q11.2.
Variant type: Deletion.
Coding change: c.752_801del on transcript NM_145199.3 (MANE Select); coding-DNA positions 752 to 801, 50 bases deleted.
Protein change: p.Thr251fs; shifts the reading frame from threonine 251.
Molecular consequence: frameshift variant. On other transcripts: non-coding transcript variant (2).
Genome position (GRCh38, 1-based): chr2:99,162,709-99,162,758, 50 bases deleted; deleting any 50 consecutive bases within chr2:99,162,706-99,162,758 gives the same sequence; the c. name uses the placement nearest the transcript's 3' end. GRCh37 (hg19): chr2:99,779,172-99,779,221.
Other names: c.752_801del, p.Thr251fs (NM_001204830.2, NM_015929.4, NM_145197.3 and 1 more transcripts); short protein forms T251fs.
Identifiers: ClinVar variation 1461073 (VCV001461073.3), dbSNP rs770689222, ClinGen allele CA1797369.

ClinVar aggregate classification (germline): Uncertain significance (1 of 4 stars; one submission).

Submission:

Labcorp Genetics (formerly Invitae), Labcorp
Classification: Uncertain significance. Last evaluated: 2022-06-27. Review status: criteria provided, single submitter. Criteria: Invitae Variant Classification Sherloc (09022015). Collection method: clinical testing. Allele origin: germline.
Comment: This sequence change creates a premature translational stop signal (p.Thr251Asnfs*13) in the LIPT1 gene. While this is not anticipated to result in nonsense mediated decay, it is expected to disrupt the last 123 amino acid(s) of the LIPT1 protein. This variant is present in population databases (rs770689222, gnomAD 0.006%). This variant has not been reported in the literature in individuals affected with LIPT1-related conditions. Experimental studies and prediction algorithms are not available or were not evaluated, and the functional significance of this variant is currently unknown. In summary, the available evidence is currently insufficient to determine the role of this variant in disease. Therefore, it has been classified as a Variant of Uncertain Significance.